The following is an entry in ClinVar:

ClinVar aggregate classification (germline): Uncertain significance. Review status: no assertion criteria provided (0 of 4 stars). 2 submissions from 2 submitters: Uncertain significance (1). 1 of the submissions does not count toward it. Last evaluated 2017-07-05.

Conditions:
Xeroderma pigmentosum, group C (XPC). Also called: XPC-Related Xeroderma Pigmentosum; Xeroderma pigmentosum, complementation group C; XERODERMA PIGMENTOSUM III; XP, GROUP C. Identifiers: Orphanet 910, MedGen C2752147, MONDO:0010211, OMIM 278720.

Allele frequency attached by ClinVar (database versions not stated): gnomAD exomes 0.00001; TOPMed 0.00002; gnomAD 0.00003 and 0.00004; ExAC 0.00006.
gnomAD v4.1: 21 of 1,598,916 alleles (0.0013%); highest among the groups gnomAD compares: South Asian, 0.0034%; no homozygotes.

Submissions (2):

Counsyl
Classification: Uncertain significance for Xeroderma pigmentosum, group C. Last evaluated: 2017-07-05. Review status: no assertion criteria provided. Collection method: clinical testing. Allele origin: unknown.

ITMI
No classification provided. Condition: AllHighlyPenetrant. Last evaluated: 2013-09-19. Review status: no classification provided. Collection method: reference population. Allele origin: germline. Not counted in ClinVar's aggregate classification.
Comment: Please see associated publication for description of ethnicities

Literature cited by the submitters: PubMed 24728327 (cited by ITMI).

NM_004628.5(XPC):c.755A>G (p.Tyr252Cys)

Gene: XPC (XPC complex subunit, DNA damage recognition and repair factor; minus strand). Cytogenetic location: 3p25.1.
Variant type: single nucleotide variant.
Coding change: c.755A>G on transcript NM_004628.5 (MANE Select); coding-DNA position 755, A replaced by G.
Protein change: p.Tyr252Cys; replaces tyrosine 252 with cysteine.
Molecular consequence: missense variant. On other transcripts: non-coding transcript variant (2).
Genome position (GRCh38, 1-based): chr3:14,165,452, T>C on the plus strand (A>G on the coding strand, the complement: XPC is on the minus strand). VCF-style: chr3-14165452-T-C. GRCh37 (hg19) VCF-style: chr3-14206952-T-C.
Other names: c.176A>G, p.Tyr59Cys (NM_001354726.2); c.755A>G, p.Tyr252Cys (NM_001354727.2, NM_001354730.2); c.737A>G, p.Tyr246Cys (NM_001354729.2); short protein forms Y252C, Y246C, Y59C.
Identifiers: ClinVar variation 135478 (VCV000135478.2), dbSNP rs587778760, ClinGen allele CA162892.